The following is an entry in ClinVar:

NM_005996.4(TBX3):c.1069GCCGAG[1] (p.357AE[1])

Gene: TBX3 (T-box transcription factor 3; minus strand). Cytogenetic location: 12q24.21.
Variant type: Microsatellite.
Coding change: c.1069GCCGAG[1] on transcript NM_005996.4 (MANE Select); one copy of the 6-base unit GCCGAG starting at c.1069; the reference has two copies in a row; one copy, 6 bases deleted; also written c.1075_1080del.
Protein change: p.357AE[1].
Genome position (GRCh38, 1-based): chr12:114,674,795-114,674,800, CTCGGC deleted on the plus strand (GCCGAG on the coding strand, the reverse complement: TBX3 is on the minus strand); deleting any 6 consecutive bases within chr12:114,674,795-114,674,806 gives the same sequence; the position shown is the placement nearest the transcript's 3' end. VCF-style (leftmost placement, unchanged base first): chr12-114674794-TCTCGGC-T. GRCh37 (hg19) VCF-style: chr12-115112599-TCTCGGC-T.
Other names: c.1075_1080del (NM_005996.4); c.1129GCCGAG[1], p.377AE[1] (NM_016569.4).
Identifiers: ClinVar variation 3632837 (VCV003632837.4).

ClinVar aggregate classification (germline): Uncertain significance. Review status: criteria provided, multiple submitters, no conflicts (2 of 4 stars). 2 submissions from 2 submitters: Uncertain significance (2). Last evaluated 2025-11-14.

Conditions:
Ulnar-mammary syndrome (UMS). Also called: SCHINZEL SYNDROME; Ulnar-mammary syndrome of Pallister; PALLISTER ULNAR-MAMMARY SYNDROME. Identifiers: Orphanet 3138, MedGen C1866994, MONDO:0008411, OMIM 181450.

Submissions (2):

Dasa
Classification: Uncertain significance. Last evaluated: 2025-11-14. Review status: criteria provided, single submitter. Criteria: DASA Assertion Criteria. Collection method: clinical testing. Allele origin: germline.
Comment: NM_005996.4(TBX3):c.1075_1080del (p.Ala359_Glu360del) is an in-frame deletion predicted to remove amino acids from alanine at protein position 359 through glutamic acid at protein position 360 without shifting the reading frame. This variant is rare in population databases. The currently available literature and clinical evidence are not sufficient to establish a definitive association between this variant and the reported condition. Therefore, this variant is classified as a variant of uncertain significance.

Labcorp Genetics (formerly Invitae), Labcorp
Classification: Uncertain significance for Ulnar-mammary syndrome. Last evaluated: 2024-03-04. Review status: criteria provided, single submitter. Criteria: Invitae Variant Classification Sherloc (09022015). Collection method: clinical testing. Allele origin: germline.
Comment: This variant, c.1075_1080del, results in the deletion of 2 amino acid(s) of the TBX3 protein (p.Ala359_Glu360del), but otherwise preserves the integrity of the reading frame. This variant is not present in population databases (gnomAD no frequency). This variant has not been reported in the literature in individuals affected with TBX3-related conditions. Experimental studies and prediction algorithms are not available or were not evaluated, and the functional significance of this variant is currently unknown. In summary, the available evidence is currently insufficient to determine the role of this variant in disease. Therefore, it has been classified as a Variant of Uncertain Significance.